The following is an entry in ClinVar:

ClinVar aggregate classification (germline): Pathogenic/Likely pathogenic. Review status: criteria provided, multiple submitters, no conflicts (2 of 4 stars). 5 submissions from 5 submitters: Pathogenic (2); Likely pathogenic (3). Last evaluated 2025-08-15.

Conditions:
Congenital hereditary endothelial dystrophy of cornea. Also called: Corneal endothelial dystrophy, autosomal recessive; Congenital hereditary endothelial dystrophy type II; CORNEAL DYSTROPHY, CONGENITAL HEREDITARY ENDOTHELIAL; Congenital hereditary endothelial dystrophy of the cornea; Maumenee corneal dystrophy. Identifiers: Orphanet 293603, MedGen C1857569, MONDO:0009019, OMIM 217700.
Corneal dystrophy-perceptive deafness syndrome (CDPD). Also called: CORNEAL DYSTROPHY AND SENSORINEURAL DEAFNESS; HARBOYAN SYNDROME. Identifiers: Orphanet 1490, MedGen C1857572, MONDO:0009015, OMIM 217400.
Corneal dystrophy, Fuchs endothelial, 4 (FECD4). Identifiers: Orphanet 98974, MedGen C2750450, MONDO:0013204, OMIM 613268.

Allele frequency attached by ClinVar (database versions not stated): gnomAD exomes 0.00001; TOPMed 0.00002.
gnomAD v4.1: 13 of 1,612,796 alleles (0.00081%); highest among the groups gnomAD compares: East Asian, 0.0022%; no homozygotes.

Submissions (5):

Natera, Inc.
Classification: Likely pathogenic for Corneal dystrophy-perceptive deafness syndrome. Last evaluated: 2025-08-15. Review status: criteria provided, single submitter. Criteria: Natera Variant Classification Schema (03/2026). Collection method: clinical testing. Allele origin: germline.
Comment: The c.2263C>T variant in SLC4A11 is a missense variant predicted to cause substitution of arginine to tryptophan at amino acid 755. This variant is rare in the general population with a frequency below the threshold expected for the associated phenotype(s). This variant has been observed in one or more individuals affected with the associated recessive disease, as either homozygous or compound heterozygous with a second variant (PMID: 17397048). Additionally, this variant has been observed to segregate in affected family members (PMID: 18474783). Functional studies show that this variant may disrupt protein function (PMID: 24916015). Computational prediction algorithms indicate this variant is likely to affect gene or protein function. Given the available evidence, this variant is classified as Likely Pathogenic.

Fulgent Genetics
Classification: Likely pathogenic for Corneal dystrophy-perceptive deafness syndrome; Congenital hereditary endothelial dystrophy of cornea; Corneal dystrophy, Fuchs endothelial, 4. Last evaluated: 2024-04-09. Review status: criteria provided, single submitter. Criteria: ACMG Guidelines, 2015. Collection method: clinical testing. Allele origin: germline.

Genomic Medicine Center of Excellence, King Faisal Specialist Hospital and Research Centre
Classification: Pathogenic for Congenital hereditary endothelial dystrophy of cornea. Last evaluated: 2024-04-04. Review status: criteria provided, single submitter. Criteria: ACMG Guidelines, 2015. Collection method: clinical testing. Allele origin: germline.

Labcorp Genetics (formerly Invitae), Labcorp
Classification: Pathogenic. Last evaluated: 2024-02-06. Review status: criteria provided, single submitter. Criteria: Invitae Variant Classification Sherloc (09022015). Collection method: clinical testing. Allele origin: germline.
Comment: This sequence change replaces arginine, which is basic and polar, with tryptophan, which is neutral and slightly polar, at codon 755 of the SLC4A11 protein (p.Arg755Trp). This variant is present in population databases (rs757553189, gnomAD 0.007%). This missense change has been observed in individuals with congenital hereditary endothelial dystrophy (PMID: 17397048, 17679935, 18474783). ClinVar contains an entry for this variant (Variation ID: 649470). Advanced modeling of protein sequence and biophysical properties (such as structural, functional, and spatial information, amino acid conservation, physicochemical variation, residue mobility, and thermodynamic stability) has been performed at Invitae for this missense variant, however the output from this modeling did not meet the statistical confidence thresholds required to predict the impact of this variant on SLC4A11 protein function. Experimental studies have shown that this missense change affects SLC4A11 function (PMID: 22072594, 24916015). For these reasons, this variant has been classified as Pathogenic.

Juno Genomics, Hangzhou Juno Genomics, Inc
Classification: Likely pathogenic for Corneal dystrophy, Fuchs endothelial, 4; Corneal dystrophy-perceptive deafness syndrome; Congenital hereditary endothelial dystrophy of cornea. Review status: criteria provided, single submitter. Criteria: ACMG Guidelines, 2015. Collection method: clinical testing. Allele origin: germline.
Comment: Absent from controls (or at extremely low frequency if recessive) in Genome Aggregation Database.;Multiple lines of computational evidence support a deleterious effect on the gene or gene product.;For recessive disorders, detected in trans with a pathogenic variant.;Patient's phenotype or family history is highly specific for a disease with a single genetic etiology.

Literature cited by the submitters: PubMed 17397048 (cited by Natera, Inc. and Labcorp Genetics (formerly Invitae), Labcorp); PubMed 18474783 (cited by Natera, Inc. and Labcorp Genetics (formerly Invitae), Labcorp); PubMed 24916015 (cited by Natera, Inc. and Labcorp Genetics (formerly Invitae), Labcorp); PubMed 17679935 (cited by Labcorp Genetics (formerly Invitae), Labcorp); PubMed 22072594 (cited by Labcorp Genetics (formerly Invitae), Labcorp).

NM_001174089.2(SLC4A11):c.2215C>T (p.Arg739Trp)

Gene: SLC4A11 (solute carrier family 4 member 11; minus strand). Cytogenetic location: 20p13.
Variant type: single nucleotide variant.
Coding change: c.2215C>T on transcript NM_001174089.2 (MANE Select); coding-DNA position 2215, C replaced by T.
Protein change: p.Arg739Trp; replaces arginine 739 with tryptophan.
Molecular consequence: missense variant. On other transcripts: non-coding transcript variant (1).
Genome position (GRCh38, 1-based): chr20:3,228,685, G>A on the plus strand (C>T on the coding strand, the complement: SLC4A11 is on the minus strand). VCF-style: chr20-3228685-G-A. GRCh37 (hg19) VCF-style: chr20-3209331-G-A.
Other names: c.2344C>T, p.Arg782Trp (NM_001174090.2); c.2101C>T, p.Arg701Trp (NM_001363745.2); c.2263C>T, p.Arg755Trp (NM_032034.4); short protein forms R755W, R782W, R701W, R739W.
Identifiers: ClinVar variation 649470 (VCV000649470.12), dbSNP rs757553189, ClinGen allele CA310985463.
Genomic context (GRCh38, chr20:3,228,685, plus strand): 5'-GGACCGGCAGCAGCAACAGGGACAGGCCCACCAGGACGCTGGCGCCCAGCGAGGTCAGCC[G>A]CGTCTCCTTCACGTTCACAATCCTGCGGTGGCCCGAGCCGCGAGTGTCACCTCTGCGCCC-3'
Protein context (NP_001167560.1, residues 729-749): YDTIVNVKET[Arg739Trp]LTSLGASVLV